The following is an entry in ClinVar:

ClinVar aggregate classification (germline): Uncertain significance (1 of 4 stars; one submission).

gnomAD v4.1: 2 of 1,613,896 alleles (0.00012%); highest among the groups gnomAD compares: Non-Finnish European, 0.000085%; no homozygotes.

Submission:

Ambry Genetics
Classification: Uncertain significance. Last evaluated: 2025-02-08. Review status: criteria provided, single submitter. Criteria: Ambry Variant Classification Scheme 2023. Collection method: clinical testing. Allele origin: germline.
Comment: The p.S655R variant (also known as c.1965T>G), located in coding exon 13 of the GEN1 gene, results from a T to G substitution at nucleotide position 1965. The serine at codon 655 is replaced by arginine, an amino acid with dissimilar properties. This amino acid position is conserved. In addition, this alteration is predicted to be tolerated by in silico analysis. Based on the available evidence, the clinical significance of this variant remains unclear.

NM_001130009.3(GEN1):c.1965T>G (p.Ser655Arg)

Gene: GEN1 (GEN1 Holliday junction 5' flap endonuclease; plus strand). Cytogenetic location: 2p24.2.
Variant type: single nucleotide variant.
Coding change: c.1965T>G on transcript NM_001130009.3 (MANE Select); coding-DNA position 1965, T replaced by G.
Protein change: p.Ser655Arg; replaces serine 655 with arginine.
Molecular consequence: missense variant.
Genome position (GRCh38, 1-based): chr2:17,781,177, T>G. VCF-style: chr2-17781177-T-G. GRCh37 (hg19) VCF-style: chr2-17962444-T-G.
Other names: c.1965T>G, p.Ser655Arg (NM_182625.5); short protein forms S655R.
Identifiers: ClinVar variation 3853556 (VCV003853556.1).
Genomic context (GRCh38, chr2:17,781,177, plus strand): 5'-ATCAGAAAGGTACACTGCAAACATAAAGAAAGTGTTGGATGAGGATTCTGATGGGATTAG[T>G]CCTGAAGAGCATCTACTTTCTGGCATTACTGATTTATGTCTTCAGGATTTGCCTTTAAAG-3'
Protein context (NP_001123481.3, residues 645-665): KVLDEDSDGI[Ser655Arg]PEEHLLSGIT